The following is an entry in ClinVar:

ClinVar aggregate classification (germline): Uncertain significance. Review status: criteria provided, multiple submitters, no conflicts (2 of 4 stars). 2 submissions from 2 submitters: Uncertain significance (2). Last evaluated 2026-04-30.

Conditions:
Cardiovascular phenotype. Identifiers: MedGen CN230736.
Dilated cardiomyopathy 1KK (CMD1KK). Identifiers: Orphanet 154, Orphanet 75249, MedGen C3714995, MONDO:0014100, OMIM 615248.

Allele frequency attached by ClinVar (database versions not stated): TOPMed below 0.00001.
gnomAD v4.1: 1 of 1,614,156 alleles (0.000062%); highest among the groups gnomAD compares: Non-Finnish European, 0.000085%; no homozygotes.

Submissions (2):

Ambry Genetics
Classification: Uncertain significance for Cardiovascular phenotype. Last evaluated: 2026-04-30. Review status: criteria provided, single submitter. Criteria: Ambry Variant Classification Scheme 2023. Collection method: clinical testing. Allele origin: germline.
Comment: The p.P751S variant (also known as c.2251C>T), located in coding exon 10 of the MYPN gene, results from a C to T substitution at nucleotide position 2251. The proline at codon 751 is replaced by serine, an amino acid with similar properties. This amino acid position is conserved. In addition, this alteration is predicted to be tolerated by in silico analysis. Based on the available evidence, the clinical significance of this variant remains unclear.

Labcorp Genetics (formerly Invitae), Labcorp
Classification: Uncertain significance for Dilated cardiomyopathy 1KK. Last evaluated: 2023-08-16. Review status: criteria provided, single submitter. Criteria: Invitae Variant Classification Sherloc (09022015). Collection method: clinical testing. Allele origin: germline.
Comment: In summary, the available evidence is currently insufficient to determine the role of this variant in disease. Therefore, it has been classified as a Variant of Uncertain Significance. Algorithms developed to predict the effect of missense changes on protein structure and function output the following: SIFT: "Not Available"; PolyPhen-2: "Benign"; Align-GVGD: "Not Available". The serine amino acid residue is found in multiple mammalian species, which suggests that this missense change does not adversely affect protein function. This variant has not been reported in the literature in individuals affected with MYPN-related conditions. This variant is not present in population databases (gnomAD no frequency). This sequence change replaces proline, which is neutral and non-polar, with serine, which is neutral and polar, at codon 751 of the MYPN protein (p.Pro751Ser).

NM_032578.4(MYPN):c.2251C>T (p.Pro751Ser)

Gene: MYPN (myopalladin; plus strand). Cytogenetic location: 10q21.3.
Variant type: single nucleotide variant.
Coding change: c.2251C>T on transcript NM_032578.4 (MANE Select); coding-DNA position 2251, C replaced by T.
Protein change: p.Pro751Ser; replaces proline 751 with serine.
Molecular consequence: missense variant. On other transcripts: non-coding transcript variant (2).
Genome position (GRCh38, 1-based): chr10:68,174,343, C>T. VCF-style: chr10-68174343-C-T. GRCh37 (hg19) VCF-style: chr10-69934100-C-T.
Other names: c.2251C>T, p.Pro751Ser (NM_001256267.2); c.1369C>T, p.Pro457Ser (NM_001256268.2); c.2251C>T (NM_032578.2); short protein forms P751S, P457S.
Identifiers: ClinVar variation 2907163 (VCV002907163.4), dbSNP rs2043191953, ClinGen allele CA376845715.
Genomic context (GRCh38, chr10:68,174,343, plus strand): 5'-AACACCACCGCAGCAACTGTGGCCCCTTCCAGCTCTCCGGTGTTCACTTTGAGCAGCACT[C>T]CTCAAACTATTCAGAGGACAGTGAGCAAAGAAAGCCTCTTAGTGTCTCACCCCTCTGTGC-3'
Protein context (NP_115967.2, residues 741-761): SSPVFTLSST[Pro751Ser]QTIQRTVSKE